The following is an entry in ClinVar:

NM_014215.3(INSRR):c.1020G>A (p.Ala340=)

Genes: INSRR (insulin receptor related receptor; minus strand), NTRK1 (neurotrophic receptor tyrosine kinase 1; plus strand). Cytogenetic location: 1q23.1.
Variant type: single nucleotide variant.
Coding change: c.1020G>A on transcript NM_014215.3 (MANE Select); coding-DNA position 1020, G replaced by A.
Protein change: p.Ala340=; no amino-acid change (alanine 340 retained).
Molecular consequence: synonymous variant. On other transcripts: intron variant (1).
Genome position (GRCh38, 1-based): chr1:156,851,710, C>T on the plus strand (G>A on the coding strand, the complement: INSRR is on the minus strand). VCF-style: chr1-156851710-C-T. GRCh37 (hg19) VCF-style: chr1-156821502-C-T.
Other names: c.122+9517C>T (NM_001007792.1).
Identifiers: ClinVar variation 2570740 (VCV002570740.24), dbSNP rs368034056, ClinGen allele CA1168528.

ClinVar aggregate classification (germline): Likely benign (1 of 4 stars; one submission).

Allele frequency attached by ClinVar (database versions not stated): ExAC 0.00002; gnomAD 0.00002; gnomAD exomes 0.00001; TOPMed 0.00001; ESP Exome Variant Server 0.00008.
gnomAD v4.1: 22 of 1,614,082 alleles (0.0014%); highest among the groups gnomAD compares: South Asian, 0.0044%; no homozygotes.

Submission:

CeGaT Center for Human Genetics Tuebingen
Classification: Likely benign. Last evaluated: 2023-06-01. Review status: criteria provided, single submitter. Criteria: CeGaT Center For Human Genetics Tuebingen Variant Classification Criteria Version 2. Collection method: clinical testing. Allele origin: germline. Affected: yes. Observed: 1 variant allele.
Comment: INSRR: BP4, BP7